The following is an entry in ClinVar:

NM_001128225.3(SLC39A13):c.1090G>T (p.Val364Leu)

Gene: SLC39A13 (solute carrier family 39 member 13; plus strand). Cytogenetic location: 11p11.2.
Variant type: single nucleotide variant.
Coding change: c.1090G>T on transcript NM_001128225.3 (MANE Select); coding-DNA position 1090, G replaced by T.
Protein change: p.Val364Leu; replaces valine 364 with leucine.
Molecular consequence: missense variant. On other transcripts: 3 prime UTR variant (1), non-coding transcript variant (1).
Genome position (GRCh38, 1-based): chr11:47,415,337, G>T. VCF-style: chr11-47415337-G-T. GRCh37 (hg19) VCF-style: chr11-47436888-G-T.
Other names: c.*87G>T (NM_001330245.2); c.1069G>T, p.Val357Leu (NM_152264.5); short protein forms V357L, V364L.
Identifiers: ClinVar variation 392333 (VCV000392333.13), dbSNP rs542593908, ClinGen allele CA5976060.

ClinVar aggregate classification (germline): Conflicting classifications of pathogenicity. Review status: criteria provided, conflicting classifications (1 of 4 stars). 6 submissions from 5 submitters: Uncertain significance (5); Likely benign (1). Last evaluated 2025-11-13.

Conditions:
Connective tissue disorder. Also called: Connective tissue disease. Identifiers: MedGen C0009782, MONDO:0003900.
Ehlers-Danlos syndrome, spondylodysplastic type, 3. Also called: Ehlers-Danlos syndrome, spondylocheirodysplastic type. Identifiers: Orphanet 157965, MedGen C2676510, MONDO:0012873, OMIM 612350.
Ehlers-Danlos syndrome (EDS). Identifiers: Orphanet 98249, MedGen C0013720, MONDO:0020066.

Allele frequency attached by ClinVar (database versions not stated): gnomAD exomes 0.00003 and 0.00018; gnomAD 0.00006 and 0.00009; TOPMed 0.00008; ExAC 0.00021; 1000 Genomes Project 30x 0.00078; 1000 Genomes Project 0.00080.
gnomAD v4.1: 55 of 1,614,076 alleles (0.0034%); highest among the groups gnomAD compares: East Asian, 0.11%; no homozygotes.

Submissions (6):

Labcorp Genetics (formerly Invitae), Labcorp
Classification: Likely benign for Ehlers-Danlos syndrome, spondylodysplastic type, 3. Last evaluated: 2025-11-13. Review status: criteria provided, single submitter. Criteria: Invitae Variant Classification Sherloc (09022015). Collection method: clinical testing. Allele origin: germline.

Blueprint Genetics
Classification: Uncertain significance. Last evaluated: 2024-04-19. Review status: criteria provided, single submitter. Criteria: ACMG Guidelines, 2015. Collection method: clinical testing. Allele origin: germline.

Fulgent Genetics
Classification: Uncertain significance for Ehlers-Danlos syndrome, spondylodysplastic type, 3. Last evaluated: 2022-04-26. Review status: criteria provided, single submitter. Criteria: ACMG Guidelines, 2015. Collection method: clinical testing. Allele origin: unknown.

GeneDx
Classification: Uncertain significance. Last evaluated: 2020-09-21. Review status: criteria provided, single submitter. Criteria: GeneDx Variant Classification Process June 2021. Collection method: clinical testing. Allele origin: germline. Affected: yes.
Comment: Has not been previously published as pathogenic or benign to our knowledge

Genome Diagnostics Laboratory, The Hospital for Sick Children
Classification: Uncertain significance for Ehlers-Danlos syndrome. Last evaluated: 2019-12-01. Review status: criteria provided, single submitter. Criteria: ACMG Guidelines, 2015. Collection method: clinical testing. Allele origin: germline.

Genome Diagnostics Laboratory, The Hospital for Sick Children
Classification: Uncertain significance for Connective tissue disorder. Last evaluated: 2019-12-01. Review status: criteria provided, single submitter. Criteria: ACMG Guidelines, 2015. Collection method: clinical testing. Allele origin: germline.